The following is an entry in ClinVar:

ClinVar aggregate classification (germline): Uncertain significance. Review status: criteria provided, multiple submitters, no conflicts (2 of 4 stars). 3 submissions from 3 submitters: Uncertain significance (3). Last evaluated 2024-03-06.

Conditions:
Hereditary cancer-predisposing syndrome. Also called: Hereditary neoplastic syndrome; Neoplastic Syndromes, Hereditary; Tumor predisposition; Hereditary Cancer Syndrome. Identifiers: Orphanet 140162, MedGen C0027672, MeSH D009386, MONDO:0015356.
Familial cancer of breast. Also called: Hereditary breast cancer; hereditary breast carcinoma; BREAST CANCER, FAMILIAL. Identifiers: Orphanet 227535, MedGen C0346153, MONDO:0016419, OMIM 114480. Disease mechanism: loss of function.

Submissions (3):

Color Diagnostics, LLC DBA Color Health
Classification: Uncertain significance for Hereditary cancer-predisposing syndrome. Last evaluated: 2024-03-06. Review status: criteria provided, single submitter. Criteria: ACMG Guidelines, 2015. Collection method: clinical testing. Allele origin: germline.
Comment: This missense variant replaces serine with asparagine at codon 389 of the BARD1 protein. Computational prediction suggests that this variant may not impact protein structure and function (internally defined REVEL score threshold <= 0.5, PMID: 27666373). To our knowledge, functional studies have not been reported for this variant. This variant has not been reported in individuals affected with hereditary cancer in the literature. This variant has not been identified in the general population by the Genome Aggregation Database (gnomAD). The available evidence is insufficient to determine the role of this variant in disease conclusively. Therefore, this variant is classified as a Variant of Uncertain Significance.

Labcorp Genetics (formerly Invitae), Labcorp
Classification: Uncertain significance for Familial cancer of breast. Last evaluated: 2021-07-22. Review status: criteria provided, single submitter. Criteria: Invitae Variant Classification Sherloc (09022015). Collection method: clinical testing. Allele origin: germline.
Comment: In summary, the available evidence is currently insufficient to determine the role of this variant in disease. Therefore, it has been classified as a Variant of Uncertain Significance. Algorithms developed to predict the effect of missense changes on protein structure and function output the following: SIFT: "Tolerated"; PolyPhen-2: "Benign"; Align-GVGD: "Class C0". The asparagine amino acid residue is found in multiple mammalian species, which suggests that this missense change does not adversely affect protein function. ClinVar contains an entry for this variant (Variation ID: 948000). This variant has not been reported in the literature in individuals affected with BARD1-related conditions. This variant is not present in population databases (ExAC no frequency). This sequence change replaces serine with asparagine at codon 389 of the BARD1 protein (p.Ser389Asn). The serine residue is moderately conserved and there is a small physicochemical difference between serine and asparagine.

Ambry Genetics
Classification: Uncertain significance for Hereditary cancer-predisposing syndrome. Last evaluated: 2019-11-19. Review status: criteria provided, single submitter. Criteria: Ambry Variant Classification Scheme 2023. Collection method: clinical testing. Allele origin: germline.
Comment: The p.S389N variant (also known as c.1166G>A), located in coding exon 4 of the BARD1 gene, results from a G to A substitution at nucleotide position 1166. The serine at codon 389 is replaced by asparagine, an amino acid with highly similar properties. This amino acid position is not well conserved in available vertebrate species. In addition, this alteration is predicted to be tolerated by in silico analysis. Since supporting evidence is limited at this time, the clinical significance of this alteration remains unclear.

NM_000465.4(BARD1):c.1166G>A (p.Ser389Asn)

Gene: BARD1 (BRCA1 associated RING domain 1; minus strand). Cytogenetic location: 2q35.
Variant type: single nucleotide variant.
Coding change: c.1166G>A on transcript NM_000465.4 (MANE Select); coding-DNA position 1166, G replaced by A.
Protein change: p.Ser389Asn; replaces serine 389 with asparagine.
Molecular consequence: missense variant. On other transcripts: non-coding transcript variant (2), intron variant (3).
Genome position (GRCh38, 1-based): chr2:214,780,708, C>T on the plus strand (G>A on the coding strand, the complement: BARD1 is on the minus strand). VCF-style: chr2-214780708-C-T. GRCh37 (hg19) VCF-style: chr2-215645432-C-T.
Other names: c.1109G>A, p.Ser370Asn (NM_001282543.2); c.159-28153G>A (NM_001282548.2); c.215+16353G>A (NM_001282545.2); c.364+11589G>A (NM_001282549.2); short protein forms S370N, S389N.
Identifiers: ClinVar variation 948000 (VCV000948000.15), dbSNP rs1553622212, ClinGen allele CA350453891.
Genomic context (GRCh38, chr2:214,780,708, plus strand): 5'-GACATCACTCGCCTGTAACTTGAACTACTTAATGTAGAAGGTGGTGTACCTGGTGAAAGA[C>T]TAATGAATTCATCGGACATGTTACTGTTTTTCCTCCCTGATGTACCACCAACTTTACGTT-3'
Protein context (NP_000456.2, residues 379-399): KNSNMSDEFI[Ser389Asn]LSPGTPPSTL